The following is an entry in ClinVar:

ClinVar aggregate classification (germline): Uncertain significance (1 of 4 stars; one submission).

Conditions:
Gorlin syndrome. Also called: Basal cell nevus syndrome; Nevoid Basal Cell Carcinoma Syndrome. Identifiers: Orphanet 377, MedGen C0004779, MONDO:0007187.
Medulloblastoma (MDB). Also called: Medulloblastoma, somatic; MEDULLOBLASTOMA PREDISPOSITION SYNDROME. Identifiers: Orphanet 616, MedGen C0025149, MeSH D008527, MONDO:0007959, OMIM 155255, HP:0002885.

Submission:

Labcorp Genetics (formerly Invitae), Labcorp
Classification: Uncertain significance for Gorlin syndrome; Medulloblastoma. Last evaluated: 2020-03-12. Review status: criteria provided, single submitter. Criteria: Invitae Variant Classification Sherloc (09022015). Collection method: clinical testing. Allele origin: germline.
Comment: Experimental studies and prediction algorithms are not available or were not evaluated, and the functional significance of this variant is currently unknown. In summary, the available evidence is currently insufficient to determine the role of this variant in disease. Therefore, it has been classified as a Variant of Uncertain Significance. This variant has not been reported in the literature in individuals with SUFU-related conditions. This sequence change disrupts the translational stop signal of the SUFU mRNA. It is expected to extend the length of the SUFU protein by 28 additional amino acid residues. This variant is not present in population databases (ExAC no frequency).

NM_016169.4(SUFU):c.1450_*18del (p.His484_Ter485del)

Gene: SUFU (SUFU negative regulator of hedgehog signaling; plus strand). Cytogenetic location: 10q24.32.
Variant type: Deletion.
Coding change: c.1450_*18del on transcript NM_016169.4 (MANE Select); coding-DNA position 1450 through 18 bases downstream of the stop codon, 24 bases deleted (CACTAGCCTGGGCTGGGCCCTGCA).
Protein change: p.His484_Ter485del.
Molecular consequence: stop lost, inframe deletion.
Genome position (GRCh38, 1-based): chr10:102,630,150-102,630,173, CACTAGCCTGGGCTGGGCCCTGCA deleted; deleting any 24 consecutive bases within chr10:102,630,149-102,630,173 gives the same sequence; the c. name uses the placement nearest the transcript's 3' end. VCF-style (leftmost placement, unchanged base first): chr10-102630148-TACACTAGCCTGGGCTGGGCCCTGC-T. GRCh37 (hg19) VCF-style: chr10-104389905-TACACTAGCCTGGGCTGGGCCCTGC-T.
Identifiers: ClinVar variation 998992 (VCV000998992.7), dbSNP rs2063824850, ClinGen allele CA1932776587.
Genomic context (GRCh38, chr10:102,630,148, plus strand): 5'-GCTGGCCTGAAAAGAAGCTGAAGGTCTCCATCCTGCCTGACGTGGTGTTCGACAGTCCGC[TACACTAGCCTGGGCTGGGCCCTGC>T]AGTGGCCAGCAGGGAGCCCAGCTGCTCCCCAGTGACTTCCAGTGTAACAGTTGTGTCAAC-3'